The following is an entry in ClinVar:

NM_001080421.3(UNC13A):c.3631C>T (p.Pro1211Ser)

Gene: UNC13A (unc-13 homolog A; minus strand). Cytogenetic location: 19p13.11.
Variant type: single nucleotide variant.
Coding change: c.3631C>T on transcript NM_001080421.3 (MANE Select); coding-DNA position 3631, C replaced by T.
Protein change: p.Pro1211Ser; replaces proline 1211 with serine.
Molecular consequence: missense variant.
Genome position (GRCh38, 1-based): chr19:17,630,183, G>A on the plus strand (C>T on the coding strand, the complement: UNC13A is on the minus strand). VCF-style: chr19-17630183-G-A. GRCh37 (hg19) VCF-style: chr19-17740992-G-A.
Other names: c.3625C>T, p.Pro1209Ser (NM_001387021.1, NM_001387022.1, NM_001387023.1); short protein forms P1209S, P1211S.
Identifiers: ClinVar variation 2661998 (VCV002661998.1), dbSNP rs547586209, ClinGen allele CA404701215.

ClinVar aggregate classification (germline): Uncertain significance (1 of 4 stars; one submission).

Submission:

GeneDx
Classification: Uncertain significance. Last evaluated: 2023-05-03. Review status: criteria provided, single submitter. Criteria: GeneDx Variant Classification Process June 2021. Collection method: clinical testing. Allele origin: germline. Affected: yes.
Comment: Not observed at significant frequency in large population cohorts (gnomAD); In silico analysis supports that this missense variant has a deleterious effect on protein structure/function; Has not been previously published as pathogenic or benign to our knowledge